The following is an entry in ClinVar:

NM_000287.4(PEX6):c.2410G>T (p.Glu804Ter)

Gene: PEX6 (peroxisomal biogenesis factor 6; minus strand). Cytogenetic location: 6p21.1.
Variant type: single nucleotide variant.
Coding change: c.2410G>T on transcript NM_000287.4 (MANE Select); coding-DNA position 2410, G replaced by T.
Protein change: p.Glu804Ter; replaces glutamic acid 804 with a stop codon.
Molecular consequence: nonsense. On other transcripts: non-coding transcript variant (1).
Genome position (GRCh38, 1-based): chr6:42,965,742, C>A on the plus strand (G>T on the coding strand, the complement: PEX6 is on the minus strand). VCF-style: chr6-42965742-C-A. GRCh37 (hg19) VCF-style: chr6-42933480-C-A.
Other names: c.2146G>T, p.Glu716Ter (NM_001316313.2); short protein forms E716*, E804*.
Identifiers: ClinVar variation 2770974 (VCV002770974.3), dbSNP rs2481203023, ClinGen allele CA364151525.

ClinVar aggregate classification (germline): Pathogenic (1 of 4 stars; one submission).

Conditions:
Peroxisome biogenesis disorder. Identifiers: Orphanet 79189, MedGen C1832200, MONDO:0019234. Disease mechanism: loss of function.

Submission:

Labcorp Genetics (formerly Invitae), Labcorp
Classification: Pathogenic for Peroxisome biogenesis disorder. Last evaluated: 2023-10-22. Review status: criteria provided, single submitter. Criteria: Invitae Variant Classification Sherloc (09022015). Collection method: clinical testing. Allele origin: germline.
Comment: This sequence change creates a premature translational stop signal (p.Glu804*) in the PEX6 gene. It is expected to result in an absent or disrupted protein product. Loss-of-function variants in PEX6 are known to be pathogenic (PMID: 10408779, 21031596, 31831025). This variant is not present in population databases (gnomAD no frequency). This variant has not been reported in the literature in individuals affected with PEX6-related conditions. Algorithms developed to predict the effect of sequence changes on RNA splicing suggest that this variant may disrupt the consensus splice site. For these reasons, this variant has been classified as Pathogenic.

Literature cited by the submitters: PubMed 10408779; PubMed 21031596; PubMed 31831025.